The following is an entry in ClinVar:

ClinVar aggregate classification (germline): Benign (1 of 4 stars; one submission).

Allele frequency attached by ClinVar (database versions not stated): 1000 Genomes Project 30x 0.23735; 1000 Genomes Project 0.24141; TOPMed 0.27892; gnomAD 0.30020.
gnomAD v4.1: 198,807 of 576,814 alleles (34%); highest among the groups gnomAD compares: Non-Finnish European, 40%; 36,522 homozygotes.

Submission:

GeneDx
Classification: Benign. Last evaluated: 2018-06-14. Review status: criteria provided, single submitter. Criteria: GeneDx Variant Classification (06012015). Collection method: clinical testing. Allele origin: germline. Affected: yes.
Comment: This variant is considered likely benign or benign based on one or more of the following criteria: it is a conservative change, it occurs at a poorly conserved position in the protein, it is predicted to be benign by multiple in silico algorithms, and/or has population frequency not consistent with disease.

NM_006939.4(SOS2):c.2959-121G>A

Gene: SOS2 (SOS Ras/Rho guanine nucleotide exchange factor 2; minus strand). Cytogenetic location: 14q21.3.
Variant type: single nucleotide variant.
Coding change: c.2959-121G>A on transcript NM_006939.4 (MANE Select); 121 bases into the intron before coding-DNA position 2959, G replaced by A.
Molecular consequence: intron variant.
Genome position (GRCh38, 1-based): chr14:50,134,360, C>T on the plus strand (G>A on the coding strand, the complement: SOS2 is on the minus strand). VCF-style: chr14-50134360-C-T. GRCh37 (hg19) VCF-style: chr14-50601078-C-T.
Identifiers: ClinVar variation 561606 (VCV000561606.1), dbSNP rs12882504, ClinGen allele CA260716453.
Genomic context (GRCh38, chr14:50,134,360, plus strand): 5'-AAATAAGATCTCATTAAAATTTTTTGCTGAAAATTACTTATTTAATGCTAAAAAATAACA[C>T]ATTAAGAGCCCACAATATGTGAAAAGTTCACAAGTGTTGCTTATTCCAATCTCTTTACTT-3'